The following is an entry in ClinVar:

NM_004656.4(BAP1):c.626T>C (p.Val209Ala)

Gene: BAP1 (BRCA1 associated deubiquitinase 1; minus strand). Cytogenetic location: 3p21.1.
Variant type: single nucleotide variant.
Coding change: c.626T>C on transcript NM_004656.4 (MANE Select); coding-DNA position 626, T replaced by C.
Protein change: p.Val209Ala; replaces valine 209 with alanine.
Molecular consequence: missense variant.
Genome position (GRCh38, 1-based): chr3:52,406,862, A>G on the plus strand (T>C on the coding strand, the complement: BAP1 is on the minus strand). VCF-style: chr3-52406862-A-G. GRCh37 (hg19) VCF-style: chr3-52440878-A-G.
Other names: short protein forms V209A.
Identifiers: ClinVar variation 240064 (VCV000240064.6), dbSNP rs878854740, ClinGen allele CA10582203.

ClinVar aggregate classification (germline): Uncertain significance. Review status: criteria provided, multiple submitters, no conflicts (2 of 4 stars). 3 submissions from 3 submitters: Uncertain significance (3). Last evaluated 2024-07-09.

Conditions:
Hereditary cancer-predisposing syndrome. Also called: Neoplastic Syndromes, Hereditary; Hereditary neoplastic syndrome; Tumor predisposition; Hereditary Cancer Syndrome. Identifiers: Orphanet 140162, MedGen C0027672, MeSH D009386, MONDO:0015356.
BAP1-related tumor predisposition syndrome (TPDS1). Also called: Tumor susceptibility linked to germline BAP1 mutations; BAP1 tumor predisposition syndrome; COMMON Syndrome; TUMOR PREDISPOSITION SYNDROME 1. Identifiers: Orphanet 289539, MedGen C3280492, MONDO:0013692, OMIM 614327.

Allele frequency attached by ClinVar (database versions not stated): gnomAD exomes below 0.00001.
gnomAD v4.1: 1 of 1,563,236 alleles (0.000064%); highest among the groups gnomAD compares: Non-Finnish European, 0.000087%; no homozygotes.

Submissions (3):

Ambry Genetics
Classification: Uncertain significance for Hereditary cancer-predisposing syndrome. Last evaluated: 2024-07-09. Review status: criteria provided, single submitter. Criteria: Ambry Variant Classification Scheme 2023. Collection method: clinical testing. Allele origin: germline.
Comment: The p.V209A variant (also known as c.626T>C), located in coding exon 8 of the BAP1 gene, results from a T to C substitution at nucleotide position 626. The valine at codon 209 is replaced by alanine, an amino acid with similar properties. This amino acid position is highly conserved in available vertebrate species. In addition, this alteration is predicted to be deleterious by in silico analysis. Based on the available evidence, the clinical significance of this variant remains unclear.

GeneDx
Classification: Uncertain significance. Last evaluated: 2019-09-23. Review status: criteria provided, single submitter. Criteria: GeneDx Variant Classification Process June 2021. Collection method: clinical testing. Allele origin: germline. Affected: yes.
Comment: Not observed in large population cohorts (Lek et al., 2016); In silico analysis, which includes protein predictors and evolutionary conservation, supports a deleterious effect; Has not been previously published as pathogenic or benign to our knowledge

Labcorp Genetics (formerly Invitae), Labcorp
Classification: Uncertain significance for BAP1-related tumor predisposition syndrome. Last evaluated: 2016-02-09. Review status: criteria provided, single submitter. Criteria: Invitae Variant Classification Sherloc (09022015). Collection method: clinical testing. Allele origin: germline.
Comment: This sequence change replaces valine with alanine at codon 209 of the BAP1 protein (p.Val209Ala). The valine residue is highly conserved and there is a small physicochemical difference between valine and alanine. This variant is not present in population databases (ExAC no frequency) and has not been reported in the literature in individuals with a BAP1-related disease. Algorithms developed to predict the effect of missense changes on protein structure and function (SIFT, PolyPhen-2, Align-GVGD) all suggest that this variant is likely to be disruptive, but these predictions have not been confirmed by published functional studies. In summary, this is a novel missense change with uncertain impact on protein function. It has been classified as a Variant of Uncertain Significance.